The following is an entry in ClinVar:

NM_005002.5(NDUFA9):c.689C>G (p.Ser230Cys)

Gene: NDUFA9 (NADH:ubiquinone oxidoreductase subunit A9; plus strand). Cytogenetic location: 12p13.32.
Variant type: single nucleotide variant.
Coding change: c.689C>G on transcript NM_005002.5 (MANE Select); coding-DNA position 689, C replaced by G.
Protein change: p.Ser230Cys; replaces serine 230 with cysteine.
Molecular consequence: missense variant.
Genome position (GRCh38, 1-based): chr12:4,668,490, C>G. VCF-style: chr12-4668490-C-G. GRCh37 (hg19) VCF-style: chr12-4777656-C-G.
Other names: short protein forms S230C.
Identifiers: ClinVar variation 4806964 (VCV004806964.1).

ClinVar aggregate classification (germline): Uncertain significance (1 of 4 stars; one submission).

gnomAD v4.1: 103 of 1,613,754 alleles (0.0064%); highest among the groups gnomAD compares: Non-Finnish European, 0.0084%; no homozygotes.

Submission:

Labcorp Genetics (formerly Invitae), Labcorp
Classification: Uncertain significance. Last evaluated: 2025-10-14. Review status: criteria provided, single submitter. Criteria: Invitae Variant Classification Sherloc (09022015). Collection method: clinical testing. Allele origin: germline.
Comment: This sequence change replaces serine, which is neutral and polar, with cysteine, which is neutral and slightly polar, at codon 230 of the NDUFA9 protein (p.Ser230Cys). This variant is present in population databases (rs531316763, gnomAD 0.02%). This variant has not been reported in the literature in individuals affected with NDUFA9-related conditions. An algorithm developed to predict the effect of missense changes on protein structure and function (PolyPhen-2) suggests that this variant is likely to be disruptive. In summary, the available evidence is currently insufficient to determine the role of this variant in disease. Therefore, it has been classified as a Variant of Uncertain Significance.